The following is an entry in ClinVar:

ClinVar aggregate classification (germline): Likely benign (1 of 4 stars; one submission).

Submission:

CeGaT Center for Human Genetics Tuebingen
Classification: Likely benign. Last evaluated: 2026-05-01. Review status: criteria provided, single submitter. Criteria: CeGaT Center For Human Genetics Tuebingen Variant Classification Criteria Version 2. Collection method: clinical testing. Allele origin: germline. Affected: yes. Observed: 1 variant allele.
Comment: KCNQ1OT1: BS2

NM_000218.3(KCNQ1):c.1393+21875_1393+21891dup

Genes: KCNQ1 (potassium voltage-gated channel subfamily Q member 1; plus strand), KCNQ1OT1 (KCNQ1 opposite strand/antisense transcript 1; minus strand). Cytogenetic location: 11p15.5.
Variant type: Duplication.
Coding change: c.1393+21875_1393+21891dup on transcript NM_000218.3 (MANE Select); bases 21875 to 21891 of the intron after coding-DNA position 1393, 17 bases duplicated (TTTTTTTTTTTTTTTTT).
Molecular consequence: intron variant. On other transcripts: non-coding transcript variant (1).
Genome position (GRCh38, 1-based): chr11:2,610,729-2,610,745, TTTTTTTTTTTTTTTTT duplicated; duplicating any 17 consecutive bases within chr11:2,610,717-2,610,745 gives the same sequence; the c. name uses the placement nearest the transcript's 3' end. VCF-style (leftmost placement, unchanged base first): chr11-2610716-C-CTTTTTTTTTTTTTTTTT. GRCh37 (hg19) VCF-style: chr11-2631946-C-CTTTTTTTTTTTTTTTTT.
Other names: c.1123+21875_1123+21891dup (NM_001406837.1); c.1297+21875_1297+21891dup (NM_001406836.1); c.853+21875_853+21891dup (NM_001406838.1); c.1012+21875_1012+21891dup (NM_181798.2).
Identifiers: ClinVar variation 4873902 (VCV004873902.2).